The following is an entry in ClinVar:

ClinVar aggregate classification (germline): Uncertain significance (1 of 4 stars; one submission).

Conditions:
Walker-Warburg congenital muscular dystrophy. Also called: Muscular dystrophy-dystroglycanopathy, type A; Walker-Warburg syndrome. Identifiers: Orphanet 899, MedGen C0265221, MONDO:0000171.

Submission:

Labcorp Genetics (formerly Invitae), Labcorp
Classification: Uncertain significance for Walker-Warburg congenital muscular dystrophy. Last evaluated: 2022-07-29. Review status: criteria provided, single submitter. Criteria: Invitae Variant Classification Sherloc (09022015). Collection method: clinical testing. Allele origin: germline.
Comment: In summary, the available evidence is currently insufficient to determine the role of this variant in disease. Therefore, it has been classified as a Variant of Uncertain Significance. Algorithms developed to predict the effect of missense changes on protein structure and function are either unavailable or do not agree on the potential impact of this missense change (SIFT: "Tolerated"; PolyPhen-2: "Probably Damaging"; Align-GVGD: "Class C0"). This variant has not been reported in the literature in individuals affected with FKRP-related conditions. This variant is not present in population databases (gnomAD no frequency). This sequence change replaces glutamic acid, which is acidic and polar, with glycine, which is neutral and non-polar, at codon 443 of the FKRP protein (p.Glu443Gly).

NM_024301.5(FKRP):c.1328A>G (p.Glu443Gly)

Gene: FKRP (fukutin related protein; plus strand). Cytogenetic location: 19q13.32.
Variant type: single nucleotide variant.
Coding change: c.1328A>G on transcript NM_024301.5 (MANE Select); coding-DNA position 1328, A replaced by G.
Protein change: p.Glu443Gly; replaces glutamic acid 443 with glycine.
Molecular consequence: missense variant.
Genome position (GRCh38, 1-based): chr19:46,756,778, A>G. VCF-style: chr19-46756778-A-G. GRCh37 (hg19) VCF-style: chr19-47260035-A-G.
Other names: c.1328A>G, p.Glu443Gly (NM_001039885.3); short protein forms E443G.
Identifiers: ClinVar variation 1713847 (VCV001713847.5), dbSNP rs2513999137, ClinGen allele CA406497144.